The following is an entry in ClinVar:

ClinVar aggregate classification (germline): Uncertain significance (1 of 4 stars; one submission).

Conditions:
Familial cancer of breast. Also called: BREAST CANCER, FAMILIAL; hereditary breast carcinoma; Hereditary breast cancer. Identifiers: Orphanet 227535, MedGen C0346153, MONDO:0016419, OMIM 114480. Disease mechanism: loss of function.

Submission:

Labcorp Genetics (formerly Invitae), Labcorp
Classification: Uncertain significance for Familial cancer of breast. Last evaluated: 2025-11-10. Review status: criteria provided, single submitter. Criteria: Invitae Variant Classification Sherloc (09022015). Collection method: clinical testing. Allele origin: germline.
Comment: This sequence change replaces cysteine, which is neutral and slightly polar, with phenylalanine, which is neutral and non-polar, at codon 77 of the PALB2 protein (p.Cys77Phe). This variant is not present in population databases (gnomAD no frequency). This variant has not been reported in the literature in individuals affected with PALB2-related conditions. ClinVar contains an entry for this variant (Variation ID: 2808819). An algorithm developed to predict the effect of missense changes on protein structure and function outputs the following: PolyPhen-2: "Benign". The phenylalanine amino acid residue is found in multiple mammalian species, which suggests that this missense change does not adversely affect protein function. In summary, the available evidence is currently insufficient to determine the role of this variant in disease. Therefore, it has been classified as a Variant of Uncertain Significance.

NM_024675.4(PALB2):c.230G>T (p.Cys77Phe)

Gene: PALB2 (partner and localizer of BRCA2; minus strand). Cytogenetic location: 16p12.2.
Variant type: single nucleotide variant.
Coding change: c.230G>T on transcript NM_024675.4 (MANE Select); coding-DNA position 230, G replaced by T.
Protein change: p.Cys77Phe; replaces cysteine 77 with phenylalanine.
Molecular consequence: missense variant. On other transcripts: 5 prime UTR variant (8), intron variant (3).
Genome position (GRCh38, 1-based): chr16:23,636,316, C>A on the plus strand (G>T on the coding strand, the complement: PALB2 is on the minus strand). VCF-style: chr16-23636316-C-A. GRCh37 (hg19) VCF-style: chr16-23647637-C-A.
Other names: c.170G>T, p.Cys57Phe (NM_001407296.1); c.230G>T, p.Cys77Phe (NM_001407297.1, NM_001407298.1, NM_001407299.1 and 3 more transcripts); c.-656G>T (NM_001407304.1, NM_001407305.1, NM_001407306.1 and 5 more transcripts); c.48+4794G>T (NM_001407314.1); c.-105+4794G>T (NM_001407313.1, NM_001407312.1); short protein forms C57F, C77F.
Identifiers: ClinVar variation 2808819 (VCV002808819.3), dbSNP rs1597099850, ClinGen allele CA395138950.